The following is an entry in ClinVar:

NM_018915.4(PCDHGA2):c.1936A>G (p.Ile646Val)

Genes: PCDHG@ (protocadherin gamma cluster; plus strand), PCDHGA1 (protocadherin gamma subfamily A, 1; plus strand), PCDHGA2 (protocadherin gamma subfamily A, 2; plus strand). Cytogenetic location: 5q31.3.
Variant type: single nucleotide variant.
Coding change: c.1936A>G on transcript NM_018915.4 (MANE Select); coding-DNA position 1936, A replaced by G.
Protein change: p.Ile646Val; replaces isoleucine 646 with valine.
Molecular consequence: missense variant. On other transcripts: intron variant (1).
Genome position (GRCh38, 1-based): chr5:141,340,907, A>G. VCF-style: chr5-141340907-A-G. GRCh37 (hg19) VCF-style: chr5-140720474-A-G.
Other names: c.1936A>G, p.Ile646Val (NM_032009.3); c.2421+7802A>G (NM_018912.3); short protein forms I646V.
Identifiers: ClinVar variation 2655840 (VCV002655840.24), dbSNP rs148082357, ClinGen allele CA3467537.
Genomic context (GRCh38, chr5:141,340,907, plus strand): 5'-GTGCGCACGGCGCGAGCCCTGCTGGACAGAGACGCGCTCAAGCAGAGCCTCGTGGTGGCC[A>G]TCCAGGACCACGGCCAGCCCCCTCTCTCCGCCACTGTCACGCTCACCGTGGCCGTGGCCG-3'
Protein context (NP_061738.1, residues 636-656): DALKQSLVVA[Ile646Val]QDHGQPPLSA

ClinVar aggregate classification (germline): Likely benign (1 of 4 stars; one submission).

Allele frequency attached by ClinVar (database versions not stated): 1000 Genomes Project 0.00339; 1000 Genomes Project 30x 0.00375; ESP Exome Variant Server 0.00385; ExAC 0.00572; gnomAD 0.00656; gnomAD exomes 0.00662; TOPMed 0.00710.
gnomAD v4.1: 10,574 of 1,608,752 alleles (0.66%); highest among the groups gnomAD compares: Non-Finnish European, 0.77%; 87 homozygotes.

Submission:

CeGaT Center for Human Genetics Tuebingen
Classification: Likely benign. Last evaluated: 2025-05-01. Review status: criteria provided, single submitter. Criteria: CeGaT Center For Human Genetics Tuebingen Variant Classification Criteria Version 2. Collection method: clinical testing. Allele origin: germline. Affected: yes. Observed: 2 variant alleles.
Comment: PCDHGA2: BP4, BS2